The following is an entry in ClinVar:

ClinVar aggregate classification (germline): Uncertain significance (1 of 4 stars; one submission).

Submission:

GeneDx
Classification: Uncertain significance. Last evaluated: 2026-10-10. Review status: criteria provided, single submitter. Criteria: GeneDx Variant Classification Process June 2021. Collection method: clinical testing. Allele origin: germline.
Comment: Not observed at significant frequency in large population cohorts (gnomAD); In silico analysis supports that this missense variant has a deleterious effect on protein structure/function; Has not been previously published as pathogenic or benign to our knowledge

NM_144973.4(DENND5B):c.3056G>A (p.Gly1019Glu)

Gene: DENND5B (DENN domain containing 5B; minus strand). Cytogenetic location: 12p11.21.
Variant type: single nucleotide variant.
Coding change: c.3056G>A on transcript NM_144973.4 (MANE Select); coding-DNA position 3056, G replaced by A.
Protein change: p.Gly1019Glu; replaces glycine 1019 with glutamic acid.
Molecular consequence: missense variant.
Genome position (GRCh38, 1-based): chr12:31,399,666, C>T on the plus strand (G>A on the coding strand, the complement: DENND5B is on the minus strand). VCF-style: chr12-31399666-C-T. GRCh37 (hg19) VCF-style: chr12-31552600-C-T.
Other names: c.3161G>A, p.Gly1054Glu (NM_001308339.2); short protein forms G1019E, G1054E.
Identifiers: ClinVar variation 3908029 (VCV003908029.2).